The following is an entry in ClinVar:

NM_000088.4(COL1A1):c.562G>T (p.Gly188Cys)

Gene: COL1A1 (collagen type I alpha 1 chain; minus strand). Cytogenetic location: 17q21.33.
Variant type: single nucleotide variant.
Coding change: c.562G>T on transcript NM_000088.4 (MANE Select); coding-DNA position 562, G replaced by T.
Protein change: p.Gly188Cys; replaces glycine 188 with cysteine.
Molecular consequence: missense variant.
Genome position (GRCh38, 1-based): chr17:50,198,187, C>A on the plus strand (G>T on the coding strand, the complement: COL1A1 is on the minus strand). VCF-style: chr17-50198187-C-A. GRCh37 (hg19) VCF-style: chr17-48275548-C-A.
Other names: short protein forms G188C.
Identifiers: ClinVar variation 1992427 (VCV001992427.3), dbSNP rs2509248182, ClinGen allele CA400225662.
Genomic context (GRCh38, chr17:50,198,187, plus strand): 5'-CAAGGAGGCATATGAAGACGTCCTGGATACTCACAGGTGCACCAGGGGGGCCAGGGAGAC[C>A]ACGAGGACCAGAGGGACCCTATAGAGGGAGAAGAAAGGGGGGTCATGGTGATCCCTCTGT-3'
Protein context (NP_000079.2, residues 178-198): PGPMGPSGPR[Gly188Cys]LPGPPGAPGP

ClinVar aggregate classification (germline): Likely pathogenic (1 of 4 stars; one submission).

Conditions:
Combined osteogenesis imperfecta and Ehlers-Danlos syndrome 1. Also called: OIEDS SYNDROME 1. Identifiers: MedGen C5436842, MONDO:0030854, OMIM 619115.

Submission:

Institute of Human Genetics, University of Goettingen
Classification: Likely pathogenic for Combined osteogenesis imperfecta and Ehlers-Danlos syndrome 1. Last evaluated: 2023-01-18. Review status: criteria provided, single submitter. Criteria: ACMG Guidelines, 2015. Collection method: clinical testing. Allele origin: unknown. Inheritance: Autosomal dominant inheritance. Affected: yes. Observed: 1 heterozygote.
Comment: ACMG criteria: PM2, PM5, PP3, PP4

Literature cited by the submitters: PubMed 23692737.